The following is an entry in ClinVar:

ClinVar aggregate classification (germline): Uncertain significance (1 of 4 stars; one submission).

Conditions:
Familial thoracic aortic aneurysm and aortic dissection (TAAD). Also called: Thoracic aortic aneurysms and dissections. Identifiers: Orphanet 91387, MedGen C4707243, MONDO:0019625.

Submission:

All of Us Research Program, National Institutes of Health
Classification: Uncertain significance for Familial thoracic aortic aneurysm and aortic dissection. Last evaluated: 2023-12-13. Review status: criteria provided, single submitter. Criteria: ACMG Guidelines, 2015. Collection method: clinical testing. Allele origin: germline. Inheritance: Autosomal dominant inheritance. Observed: 1 variant allele, 1 heterozygote.
Comment: This variant inserts 1 nucleotide in exon 29 of the MYH11 gene, creating a frameshift and premature translation stop signal. This variant is expected to result in an absent or non-functional protein product. To our knowledge, this variant has not been reported in individuals affected with MYH11-related disorders in the literature. This variant has not been identified in the general population by the Genome Aggregation Database (gnomAD). Clinical relevance of loss-of-function MYH11 variants in autosomal dominant cardiovascular disorders is not clearly established. The available evidence is insufficient to determine the role of this variant in disease conclusively. Therefore, this variant is classified as a Variant of Uncertain Significance.

This study involves interpretation of variants in research participants for the purpose of population health screening. Participant phenotype was not available at the time of variant classification. Additional details can be found in publication PMID: 35346344, PMCID: PMC8962531

NM_002474.3(MYH11):c.3792dup (p.Gln1265fs)

Gene: MYH11 (myosin heavy chain 11; minus strand). Cytogenetic location: 16p13.11.
Variant type: Duplication.
Coding change: c.3792dup on transcript NM_002474.3 (MANE Select); coding-DNA position 3792, one base duplicated (G; older notation c.3792dupG).
Protein change: p.Gln1265fs; shifts the reading frame from glutamine 1265.
Molecular consequence: frameshift variant.
Genome position (GRCh38, 1-based): chr16:15,726,914, C duplicated on the plus strand (G on the coding strand, the reverse complement: MYH11 is on the minus strand). VCF-style (leftmost placement, unchanged base first): chr16-15726913-G-GC. GRCh37 (hg19) VCF-style: chr16-15820770-G-GC.
Other names: c.3813dup, p.Gln1272fs (NM_001040113.2, NM_001040114.2); c.3792dup, p.Gln1265fs (NM_022844.3); short protein forms Q1265fs, Q1272fs.
Identifiers: ClinVar variation 3074875 (VCV003074875.1), dbSNP rs2506155962, ClinGen allele CA2825002389.